The following is an entry in ClinVar:

ClinVar aggregate classification (germline): Uncertain significance (1 of 4 stars; one submission).

Submission:

Labcorp Genetics (formerly Invitae), Labcorp
Classification: Uncertain significance. Last evaluated: 2024-12-31. Review status: criteria provided, single submitter. Criteria: Invitae Variant Classification Sherloc (09022015). Collection method: clinical testing. Allele origin: germline.
Comment: This sequence change replaces lysine, which is basic and polar, with arginine, which is basic and polar, at codon 620 of the CACNA2D4 protein (p.Lys620Arg). This variant is not present in population databases (gnomAD no frequency). This variant has not been reported in the literature in individuals affected with CACNA2D4-related conditions. ClinVar contains an entry for this variant (Variation ID: 2794943). An algorithm developed to predict the effect of missense changes on protein structure and function (PolyPhen-2) suggests that this variant is likely to be tolerated. Algorithms developed to predict the effect of sequence changes on RNA splicing suggest that this variant may disrupt the consensus splice site. In summary, the available evidence is currently insufficient to determine the role of this variant in disease. Therefore, it has been classified as a Variant of Uncertain Significance.

NM_172364.5(CACNA2D4):c.1859A>G (p.Lys620Arg)

Gene: CACNA2D4 (calcium voltage-gated channel auxiliary subunit alpha2delta 4; minus strand). Cytogenetic location: 12p13.33.
Variant type: single nucleotide variant.
Coding change: c.1859A>G on transcript NM_172364.5 (MANE Select); coding-DNA position 1859, A replaced by G.
Protein change: p.Lys620Arg; replaces lysine 620 with arginine.
Molecular consequence: missense variant.
Genome position (GRCh38, 1-based): chr12:1,874,623, T>C on the plus strand (A>G on the coding strand, the complement: CACNA2D4 is on the minus strand). VCF-style: chr12-1874623-T-C. GRCh37 (hg19) VCF-style: chr12-1983789-T-C.
Other names: short protein forms K620R.
Identifiers: ClinVar variation 2794943 (VCV002794943.3), dbSNP rs2497201832, ClinGen allele CA383350833.